The following is an entry in ClinVar:

NM_022336.4(EDAR):c.808A>G (p.Asn270Asp)

Genes: EDAR (ectodysplasin A receptor; minus strand), RANBP2 (RAN binding protein 2; plus strand). Cytogenetic location: 2q13.
Variant type: single nucleotide variant.
Coding change: c.808A>G on transcript NM_022336.4 (MANE Select); coding-DNA position 808, A replaced by G.
Protein change: p.Asn270Asp; replaces asparagine 270 with aspartic acid.
Molecular consequence: missense variant.
Genome position (GRCh38, 1-based): chr2:108,908,015, T>C on the plus strand (A>G on the coding strand, the complement: EDAR is on the minus strand). VCF-style: chr2-108908015-T-C. GRCh37 (hg19) VCF-style: chr2-109524471-T-C.
Other names: short protein forms N270D.
Identifiers: ClinVar variation 4782521 (VCV004782521.1).

ClinVar aggregate classification (germline): Uncertain significance (1 of 4 stars; one submission).

Conditions:
Ectodermal dysplasia 10A, hypohidrotic/hair/nail type, autosomal dominant (ECTD10A). Also called: Ectodermal Dysplasia 3, Anhidrotic. Identifiers: Orphanet 1810, Orphanet 238468, MedGen C3888065, MONDO:0007509, OMIM 129490.
Autosomal recessive hypohidrotic ectodermal dysplasia syndrome. Also called: Autosomal recessive hypohidrotic ectodermal dysplasia. Identifiers: Orphanet 248, MedGen C0406702, MONDO:0016619.

Submission:

Labcorp Genetics (formerly Invitae), Labcorp
Classification: Uncertain significance for Ectodermal dysplasia 10A, hypohidrotic/hair/nail type, autosomal dominant; Autosomal recessive hypohidrotic ectodermal dysplasia syndrome. Last evaluated: 2025-07-22. Review status: criteria provided, single submitter. Criteria: Invitae Variant Classification Sherloc (09022015). Collection method: clinical testing. Allele origin: germline.
Comment: This sequence change replaces asparagine, which is neutral and polar, with aspartic acid, which is acidic and polar, at codon 270 of the EDAR protein (p.Asn270Asp). This variant is not present in population databases (gnomAD no frequency). This variant has not been reported in the literature in individuals affected with EDAR-related conditions. Invitae Evidence Modeling of protein sequence and biophysical properties (such as structural, functional, and spatial information, amino acid conservation, physicochemical variation, residue mobility, and thermodynamic stability) has been performed for this missense variant. However, the output from this modeling did not meet the statistical confidence thresholds required to predict the impact of this variant on EDAR protein function. In summary, the available evidence is currently insufficient to determine the role of this variant in disease. Therefore, it has been classified as a Variant of Uncertain Significance.